The following is an entry in ClinVar:

ClinVar aggregate classification (germline): Conflicting classifications of pathogenicity. Review status: criteria provided, conflicting classifications (1 of 4 stars). 5 submissions from 5 submitters: Likely pathogenic (1); Uncertain significance (4). Last evaluated 2026-07-28.

Conditions:
Glycogen storage disease, type V (GSD5). Also called: McArdle type glycogen storage disease; MCARDLE DISEASE; MUSCLE GLYCOGEN PHOSPHORYLASE DEFICIENCY; MYOPHOSPHORYLASE DEFICIENCY; PYGM DEFICIENCY. Identifiers: Orphanet 368, MedGen C0017924, MONDO:0009293, OMIM 232600.

Allele frequency attached by ClinVar (database versions not stated): gnomAD 0.00008; TOPMed 0.00009; gnomAD exomes 0.00010; ESP Exome Variant Server 0.00015.
gnomAD v4.1: 154 of 1,601,086 alleles (0.0096%); highest among the groups gnomAD compares: Non-Finnish European, 0.012%; no homozygotes.

Submissions (5):

GeneDx
Classification: Uncertain significance. Last evaluated: 2026-07-28. Review status: criteria provided, single submitter. Criteria: GeneDx Variant Classification Process June 2021. Collection method: clinical testing. Allele origin: germline.
Comment: Not observed at significant frequency in large population cohorts (gnomAD); In silico analysis supports that this missense variant has a deleterious effect on protein structure/function; Has not been previously published as pathogenic or benign to our knowledge

Labcorp Genetics (formerly Invitae), Labcorp
Classification: Likely pathogenic for Glycogen storage disease, type V. Last evaluated: 2026-01-11. Review status: criteria provided, single submitter. Criteria: Invitae Variant Classification Sherloc (09022015). Collection method: clinical testing. Allele origin: germline.
Comment: This sequence change replaces glycine, which is neutral and non-polar, with serine, which is neutral and polar, at codon 455 of the PYGM protein (p.Gly455Ser). This variant is present in population databases (rs201042910, gnomAD 0.01%). This variant has not been reported in the literature in individuals affected with PYGM-related conditions. ClinVar contains an entry for this variant (Variation ID: 1687636). Invitae Evidence Modeling of protein sequence and biophysical properties (such as structural, functional, and spatial information, amino acid conservation, physicochemical variation, residue mobility, and thermodynamic stability) indicates that this missense variant is expected to disrupt PYGM protein function with a positive predictive value of 95%. This variant disrupts the p.Gly455 amino acid residue in PYGM. Other variant(s) that disrupt this residue have been determined to be pathogenic (PMID: 21802952, 22250184, 23653251, 34534370). This suggests that this residue is clinically significant, and that variants that disrupt this residue are likely to be disease-causing. In summary, the currently available evidence indicates that the variant is pathogenic, but additional data are needed to prove that conclusively. Therefore, this variant has been classified as Likely Pathogenic.

Fulgent Genetics
Classification: Uncertain significance for Glycogen storage disease, type V. Last evaluated: 2024-06-13. Review status: criteria provided, single submitter. Criteria: ACMG Guidelines, 2015. Collection method: clinical testing. Allele origin: germline.

Revvity Omics, Revvity
Classification: Uncertain significance for Glycogen storage disease, type V. Last evaluated: 2022-07-13. Review status: criteria provided, single submitter. Criteria: ACMG Guidelines, 2015. Collection method: clinical testing. Allele origin: germline.

Juno Genomics, Hangzhou Juno Genomics, Inc
Classification: Uncertain significance for Glycogen storage disease, type V. Review status: criteria provided, single submitter. Criteria: ACMG Guidelines, 2015. Collection method: clinical testing. Allele origin: germline.
Comment: Absent from controls (or at extremely low frequency if recessive) in Genome Aggregation Database.;Multiple lines of computational evidence support a deleterious effect on the gene or gene product.

Literature cited by the submitters: PubMed 21802952 (cited by Labcorp Genetics (formerly Invitae), Labcorp); PubMed 22250184 (cited by Labcorp Genetics (formerly Invitae), Labcorp); PubMed 23653251 (cited by Labcorp Genetics (formerly Invitae), Labcorp); PubMed 34534370 (cited by Labcorp Genetics (formerly Invitae), Labcorp).

NM_005609.4(PYGM):c.1363G>A (p.Gly455Ser)

Gene: PYGM (glycogen phosphorylase, muscle associated; minus strand). Cytogenetic location: 11q13.1.
Variant type: single nucleotide variant.
Coding change: c.1363G>A on transcript NM_005609.4 (MANE Select); coding-DNA position 1363, G replaced by A.
Protein change: p.Gly455Ser; replaces glycine 455 with serine.
Molecular consequence: missense variant.
Genome position (GRCh38, 1-based): chr11:64,753,559, C>T on the plus strand (G>A on the coding strand, the complement: PYGM is on the minus strand). VCF-style: chr11-64753559-C-T. GRCh37 (hg19) VCF-style: chr11-64521031-C-T.
Other names: c.1099G>A, p.Gly367Ser (NM_001164716.1); short protein forms G367S, G455S.
Identifiers: ClinVar variation 1687636 (VCV001687636.13), dbSNP rs201042910, ClinGen allele CA6079898.